The following is an entry in ClinVar:

NM_178862.3(STT3B):c.2366A>G (p.Asn789Ser)

Gene: STT3B (STT3 oligosaccharyltransferase complex catalytic subunit B; plus strand). Cytogenetic location: 3p23.
Variant type: single nucleotide variant.
Coding change: c.2366A>G on transcript NM_178862.3 (MANE Select); coding-DNA position 2366, A replaced by G.
Protein change: p.Asn789Ser; replaces asparagine 789 with serine.
Molecular consequence: missense variant.
Genome position (GRCh38, 1-based): chr3:31,633,113, A>G. VCF-style: chr3-31633113-A-G. GRCh37 (hg19) VCF-style: chr3-31674605-A-G.
Other names: c.2366A>G (NM_178862.1); short protein forms N789S.
Identifiers: ClinVar variation 655126 (VCV000655126.7), dbSNP rs139208333, ClinGen allele CA2295399.

ClinVar aggregate classification (germline): Uncertain significance. Review status: criteria provided, multiple submitters, no conflicts (2 of 4 stars). 3 submissions from 3 submitters: Uncertain significance (3). Last evaluated 2024-06-02.

Conditions:
STT3B-congenital disorder of glycosylation. Also called: STT3B-CDG; Congenital disorder of glycosylation type 1x; CDG Ix. Identifiers: Orphanet 370924, MedGen C2931007, MONDO:0014271, OMIM 615597.

Allele frequency attached by ClinVar (database versions not stated): ExAC 0.00012; gnomAD exomes 0.00014; ESP Exome Variant Server 0.00023; gnomAD 0.00024; TOPMed 0.00028.
gnomAD v4.1: 437 of 1,614,012 alleles (0.027%); highest among the groups gnomAD compares: Non-Finnish European, 0.035%; no homozygotes.

Submissions (3):

Labcorp Genetics (formerly Invitae), Labcorp
Classification: Uncertain significance for STT3B-congenital disorder of glycosylation. Last evaluated: 2024-06-02. Review status: criteria provided, single submitter. Criteria: Invitae Variant Classification Sherloc (09022015). Collection method: clinical testing. Allele origin: germline.
Comment: This sequence change replaces asparagine, which is neutral and polar, with serine, which is neutral and polar, at codon 789 of the STT3B protein (p.Asn789Ser). This variant is present in population databases (rs139208333, gnomAD 0.03%). This variant has not been reported in the literature in individuals affected with STT3B-related conditions. ClinVar contains an entry for this variant (Variation ID: 655126). An algorithm developed to predict the effect of missense changes on protein structure and function (PolyPhen-2) suggests that this variant is likely to be tolerated. In summary, the available evidence is currently insufficient to determine the role of this variant in disease. Therefore, it has been classified as a Variant of Uncertain Significance.

Ambry Genetics
Classification: Uncertain significance. Last evaluated: 2021-08-23. Review status: criteria provided, single submitter. Criteria: Ambry Variant Classification Scheme 2023. Collection method: clinical testing. Allele origin: germline.

Breakthrough Genomics
Classification: Uncertain significance. Review status: criteria provided, single submitter. Criteria: ACMG Guidelines, 2015. Collection method: not provided. Allele origin: germline. Inheritance: Autosomal recessive inheritance. Affected: yes.